The following continues an entry in ClinVar:

NM_020975.6(RET):c.1699G>A (p.Asp567Asn)

Gene: RET. ClinVar aggregate classification (germline): Conflicting classifications of pathogenicity. Uncertain significance (9); Benign (2); Likely benign (9).

Submissions 11 to 21 of 21:

GeneDx
Classification: Likely benign. Last evaluated: 2022-04-13. Review status: criteria provided, single submitter. Criteria: GeneDx Variant Classification Process June 2021. Collection method: clinical testing. Allele origin: germline. Affected: yes.
Comment: In silico analysis supports that this missense variant has a deleterious effect on protein structure/function; This variant is associated with the following publications: (PMID: 21490379, 27834349, 27884173, 14633923)

Sema4
Classification: Likely benign for Hereditary cancer-predisposing syndrome. Last evaluated: 2022-02-08. Review status: criteria provided, single submitter. Criteria: Sema4 Curation Guidelines. Collection method: curation. Allele origin: germline.

Genetics and Molecular Pathology, SA Pathology
Classification: Uncertain significance for Familial medullary thyroid carcinoma. Last evaluated: 2021-03-04. Review status: criteria provided, single submitter. Criteria: ACMG Guidelines, 2015. Collection method: clinical testing. Allele origin: germline. Inheritance: Autosomal dominant inheritance. Affected: yes.

Illumina Laboratory Services, Illumina
Classification: Benign for Multiple endocrine neoplasia. Last evaluated: 2019-04-19. Review status: criteria provided, single submitter. Criteria: ICSL Variant Classification Criteria 13 December 2019. Collection method: clinical testing. Allele origin: germline.
Comment: This variant was observed as part of a predisposition screen in an ostensibly healthy population. A literature search was performed for the gene, cDNA change, and amino acid change (where applicable). Publications were found based on this search. The evidence from the literature, in combination with allele frequency data from public databases where available, was sufficient to rule this variant out of causing disease. Therefore, this variant is classified as benign.

Illumina Laboratory Services, Illumina
Classification: Likely benign for Hirschsprung disease, susceptibility to, 1. Last evaluated: 2019-04-19. Review status: criteria provided, single submitter. Criteria: ICSL Variant Classification Criteria 13 December 2019. Collection method: clinical testing. Allele origin: germline.
Comment: This variant was observed as part of a predisposition screen in an ostensibly healthy population. A literature search was performed for the gene, cDNA change, and amino acid change (where applicable). Publications were found based on this search. The evidence from the literature, in combination with allele frequency data from public databases where available, was sufficient to determine this variant is unlikely to cause disease. Therefore, this variant is classified as likely benign.

Illumina Laboratory Services, Illumina
Classification: Benign for Pheochromocytoma. Last evaluated: 2019-04-19. Review status: criteria provided, single submitter. Criteria: ICSL Variant Classification Criteria 13 December 2019. Collection method: clinical testing. Allele origin: germline.
Comment: the same text as in the submission from Illumina Laboratory Services, Illumina above.

Illumina Laboratory Services, Illumina
Classification: Uncertain significance for Renal hypodysplasia/aplasia 1. Last evaluated: 2019-04-19. Review status: criteria provided, single submitter. Criteria: ICSL Variant Classification Criteria 13 December 2019. Collection method: clinical testing. Allele origin: germline.
Comment: This variant was observed as part of a predisposition screen in an ostensibly healthy population. A literature search was performed for the gene, cDNA change, and amino acid change (where applicable). Publications were found based on this search. However, the evidence from the literature, in combination with allele frequency data from public databases where available, was not sufficient to rule this variant in or out of causing disease. Therefore, this variant is classified as a variant of unknown significance.

Ambry Genetics
Classification: Likely benign for Hereditary cancer-predisposing syndrome. Last evaluated: 2019-04-13. Review status: criteria provided, single submitter. Criteria: Ambry Variant Classification Scheme 2023. Collection method: clinical testing. Allele origin: germline.

Eurofins Ntd Llc (ga)
Classification: Uncertain significance. Last evaluated: 2017-02-28. Review status: criteria provided, single submitter. Criteria: EGL Classification Definitions 2015. Collection method: clinical testing. Allele origin: germline. Observed: 1 variant allele, 1 heterozygote.

Laboratory for Molecular Medicine, Mass General Brigham Personalized Medicine
Classification: Uncertain significance. Last evaluated: 2016-03-31. Review status: criteria provided, single submitter. Criteria: LMM Criteria. Collection method: clinical testing. Allele origin: germline.
Comment: Variant identified in a genome or exome case(s) and assessed due to predicted null impact of the variant or pathogenic assertions in the literature or databases. Disclaimer: This variant has not undergone full assessment. ExAC: 0.1% (9/11538) Latino; ClinVar: 2 VUS

PreventionGenetics, part of Exact Sciences
Classification: Likely benign for RET-related condition. Last evaluated: 2024-02-12. Review status: no assertion criteria provided. Collection method: clinical testing. Allele origin: germline. Not counted in ClinVar's aggregate classification.
Comment: This variant is classified as likely benign based on ACMG/AMP sequence variant interpretation guidelines (Richards et al. 2015 PMID: 25741868, with internal and published modifications).

Literature cited by the submitters: PubMed 21490379 (cited by 5 submitters); PubMed 32732076 (cited by 4 submitters); PubMed 36166639 (cited by All of Us Research Program, National Institutes of Health and Color Diagnostics, LLC DBA Color Health); PubMed 27884173 (cited by Sema4).